The following is an entry in ClinVar:

ClinVar aggregate classification (germline): Benign/Likely benign. Review status: criteria provided, multiple submitters, no conflicts (2 of 4 stars). 4 submissions from 4 submitters: Benign (2); Likely benign (2). Last evaluated 2026-02-01.

Allele frequency attached by ClinVar (database versions not stated): 1000 Genomes Project 0.01717; 1000 Genomes Project 30x 0.01858; ExAC 0.02130; gnomAD exomes 0.02250 and 0.02858; gnomAD 0.02641 and 0.02734; TOPMed 0.02693; ESP Exome Variant Server 0.02891.
gnomAD v4.1: 43,375 of 1,536,036 alleles (2.8%); highest among the groups gnomAD compares: Middle Eastern, 3.8%; 730 homozygotes.

Submissions (4):

Labcorp Genetics (formerly Invitae), Labcorp
Classification: Benign. Last evaluated: 2026-02-01. Review status: criteria provided, single submitter. Criteria: Invitae Variant Classification Sherloc (09022015). Collection method: clinical testing. Allele origin: germline.

GeneDx
Classification: Likely benign. Last evaluated: 2021-05-05. Review status: criteria provided, single submitter. Criteria: GeneDx Variant Classification Process June 2021. Collection method: clinical testing. Allele origin: germline. Affected: yes.

Laboratory for Molecular Medicine, Mass General Brigham Personalized Medicine
Classification: Benign. Last evaluated: 2016-03-21. Review status: criteria provided, single submitter. Criteria: LMM Criteria. Collection method: clinical testing. Allele origin: germline. Observed: 1 variant allele.
Comment: p.Pro406Pro in exon 6 of FAM20C: This variant is not expected to have clinical s ignificance because it does not alter an amino acid residue, is not located with in the splice consensus sequence, and has been identified in 3.57% (215/6028) of European chromosomes by the Exome Aggregation Consortium (ExAC; dbSNP rs144007479).

Breakthrough Genomics
Classification: Likely benign. Review status: criteria provided, single submitter. Criteria: ACMG Guidelines, 2015. Collection method: not provided. Allele origin: germline. Inheritance: Autosomal recessive inheritance. Affected: yes.

NM_020223.4(FAM20C):c.1218T>A (p.Pro406=)

Gene: FAM20C (FAM20C golgi associated secretory pathway kinase; plus strand). Cytogenetic location: 7p22.3.
Variant type: single nucleotide variant.
Coding change: c.1218T>A on transcript NM_020223.4 (MANE Select); coding-DNA position 1218, T replaced by A.
Protein change: p.Pro406=; no amino-acid change (proline 406 retained).
Molecular consequence: synonymous variant.
Genome position (GRCh38, 1-based): chr7:255,994, T>A. VCF-style: chr7-255994-T-A. GRCh37 (hg19) VCF-style: chr7-295960-T-A.
Identifiers: ClinVar variation 504906 (VCV000504906.15), dbSNP rs144007479, ClinGen allele CA4109134.